The following is an entry in ClinVar:

NM_020066.5(FMN2):c.3180A>G (p.Gly1060=)

Gene: FMN2 (formin 2; plus strand). Cytogenetic location: 1q43.
Variant type: single nucleotide variant.
Coding change: c.3180A>G on transcript NM_020066.5 (MANE Select); coding-DNA position 3180, A replaced by G.
Protein change: p.Gly1060=; no amino-acid change (glycine 1060 retained).
Molecular consequence: synonymous variant. On other transcripts: intron variant (1).
Genome position (GRCh38, 1-based): chr1:240,207,992, A>G. VCF-style: chr1-240207992-A-G. GRCh37 (hg19) VCF-style: chr1-240371292-A-G.
Other names: c.3192A>G, p.Gly1064= (NM_001305424.2); c.1986+19730A>G (NM_001348094.2).
Identifiers: ClinVar variation 3234271 (VCV003234271.20), dbSNP rs1666489698, ClinGen allele CA424385535.

ClinVar aggregate classification (germline): Likely benign (1 of 4 stars; one submission).

Allele frequency attached by ClinVar (database versions not stated): gnomAD exomes 0.00001.
gnomAD v4.1: 1 of 204,018 alleles (0.00049%); highest among the groups gnomAD compares: Non-Finnish European, 0.00089%; no homozygotes.

Submission:

CeGaT Center for Human Genetics Tuebingen
Classification: Likely benign. Last evaluated: 2026-06-01. Review status: criteria provided, single submitter. Criteria: CeGaT Center For Human Genetics Tuebingen Variant Classification Criteria Version 2. Collection method: clinical testing. Allele origin: germline. Affected: yes. Observed: 3 variant alleles.
Comment: FMN2: BP4, BP7